The following is an entry in ClinVar:

ClinVar aggregate classification (germline): Uncertain significance (1 of 4 stars; one submission).

Allele frequency attached by ClinVar (database versions not stated): ExAC 0.00001.

Submission:

Labcorp Genetics (formerly Invitae), Labcorp
Classification: Uncertain significance. Last evaluated: 2024-10-22. Review status: criteria provided, single submitter. Criteria: Invitae Variant Classification Sherloc (09022015). Collection method: clinical testing. Allele origin: germline.
Comment: This sequence change replaces leucine, which is neutral and non-polar, with glutamine, which is neutral and polar, at codon 1110 of the PTPN23 protein (p.Leu1110Gln). The frequency data for this variant in the population databases is considered unreliable, as metrics indicate poor data quality at this position in the gnomAD database. This variant has not been reported in the literature in individuals affected with PTPN23-related conditions. ClinVar contains an entry for this variant (Variation ID: 1992491). An algorithm developed to predict the effect of missense changes on protein structure and function outputs the following: PolyPhen-2: "Benign". The glutamine amino acid residue is found in multiple mammalian species, which suggests that this missense change does not adversely affect protein function. In summary, the available evidence is currently insufficient to determine the role of this variant in disease. Therefore, it has been classified as a Variant of Uncertain Significance.

NM_015466.4(PTPN23):c.3329T>A (p.Leu1110Gln)

Gene: PTPN23 (protein tyrosine phosphatase non-receptor type 23; plus strand). Cytogenetic location: 3p21.31.
Variant type: single nucleotide variant.
Coding change: c.3329T>A on transcript NM_015466.4 (MANE Select); coding-DNA position 3329, T replaced by A.
Protein change: p.Leu1110Gln; replaces leucine 1110 with glutamine.
Molecular consequence: missense variant.
Genome position (GRCh38, 1-based): chr3:47,411,127, T>A. VCF-style: chr3-47411127-T-A. GRCh37 (hg19) VCF-style: chr3-47452617-T-A.
Other names: c.2951T>A, p.Leu984Gln (NM_001304482.2); short protein forms L984Q, L1110Q.
Identifiers: ClinVar variation 1992491 (VCV001992491.4), dbSNP rs778301826, ClinGen allele CA2366252.
Genomic context (GRCh38, chr3:47,411,127, plus strand): 5'-CATCTCCAGGGCCTGGTCCGGTACCCCCTCGCCCCCCAGCAGCAGAACCACCCCCTTGCC[T>A]GCGCCGAGGCGCCGCAGCTGCAGACCTGCTCTCCTCCAGCCCGGAGAGCCAGCATGGCGG-3'
Protein context (NP_056281.1, residues 1100-1120): RPPAAEPPPC[Leu1110Gln]RRGAAAADLL